The following is an entry in ClinVar:

ClinVar aggregate classification (germline): Likely pathogenic (1 of 4 stars; one submission).

Submission:

Labcorp Genetics (formerly Invitae), Labcorp
Classification: Likely pathogenic. Last evaluated: 2023-12-20. Review status: criteria provided, single submitter. Criteria: Invitae Variant Classification Sherloc (09022015). Collection method: clinical testing. Allele origin: germline.
Comment: This sequence change affects a splice site in intron 20 of the ABCA12 gene. It is expected to disrupt RNA splicing. Variants that disrupt the donor or acceptor splice site typically lead to a loss of protein function (PMID: 16199547), and loss-of-function variants in ABCA12 are known to be pathogenic (PMID: 20672373). This variant is not present in population databases (gnomAD no frequency). This variant has not been reported in the literature in individuals affected with ABCA12-related conditions. Algorithms developed to predict the effect of sequence changes on RNA splicing suggest that this variant may disrupt the consensus splice site. In summary, the currently available evidence indicates that the variant is pathogenic, but additional data are needed to prove that conclusively. Therefore, this variant has been classified as Likely Pathogenic.

Literature cited by the submitters: PubMed 16199547; PubMed 20672373.

NM_173076.3(ABCA12):c.2683+2del

Gene: ABCA12 (ATP binding cassette subfamily A member 12; minus strand). Cytogenetic location: 2q35.
Variant type: Deletion.
Coding change: c.2683+2del on transcript NM_173076.3 (MANE Select); the canonical splice donor site of the intron after coding-DNA position 2683, one base deleted (T; older notation c.2683+2delT).
Molecular consequence: splice donor variant.
Genome position (GRCh38, 1-based): chr2:215,004,207, A deleted on the plus strand (T on the coding strand, the reverse complement: ABCA12 is on the minus strand). VCF-style (leftmost placement, unchanged base first): chr2-215004206-CA-C. GRCh37 (hg19) VCF-style: chr2-215868930-CA-C.
Other names: c.1729+2del (NM_015657.4).
Identifiers: ClinVar variation 2704482 (VCV002704482.3), dbSNP rs2469296541, ClinGen allele CA2697550405.